The following is an entry in ClinVar:

NM_001349253.2(SCN11A):c.354C>G (p.Ile118Met)

Gene: SCN11A (sodium voltage-gated channel alpha subunit 11; minus strand). Cytogenetic location: 3p22.2.
Variant type: single nucleotide variant.
Coding change: c.354C>G on transcript NM_001349253.2 (MANE Select); coding-DNA position 354, C replaced by G.
Protein change: p.Ile118Met; replaces isoleucine 118 with methionine.
Molecular consequence: missense variant.
Genome position (GRCh38, 1-based): chr3:38,946,821, G>C on the plus strand (C>G on the coding strand, the complement: SCN11A is on the minus strand). VCF-style: chr3-38946821-G-C. GRCh37 (hg19) VCF-style: chr3-38988312-G-C.
Other names: c.354C>G, p.Ile118Met (NM_014139.3); short protein forms I118M.
Identifiers: ClinVar variation 1142907 (VCV001142907.10), dbSNP rs189732398, ClinGen allele CA2322649.
Genomic context (GRCh38, chr3:38,946,821, plus strand): 5'-CTTAGTAAAAGGTGCAATGAAAGGATATGAATGGACTGAGACTCTAATGGCTAAACTTCT[G>C]ATTGAATTGAAAGGCCCAAAAATGAACAAGGCATGCTTGGCACTGAAGCGGTAGATTGTC-3'
Protein context (NP_001336182.1, residues 108-128): ALFIFGPFNS[Ile118Met]RSLAIRVSVH

ClinVar aggregate classification (germline): Likely benign. Review status: criteria provided, multiple submitters, no conflicts (2 of 4 stars). 3 submissions from 3 submitters: Likely benign (3). Last evaluated 2026-01-27.

Conditions:
Hereditary sensory and autonomic neuropathy type 7. Also called: Neuropathy, hereditary sensory and autonomic, type VII; HSAN VII. Identifiers: Orphanet 391397, MedGen C3809882, MONDO:0014244, OMIM 615548.
Familial episodic pain syndrome with predominantly lower limb involvement. Also called: Episodic pain syndrome, familial, 3. Identifiers: Orphanet 391384, Orphanet 391392, MedGen C3809899, MONDO:0014247, OMIM 615552.
Inborn genetic diseases. Identifiers: MedGen C0950123, MeSH D030342.
SCN11A-related disorder. Also called: SCN11A-related condition.

Allele frequency attached by ClinVar (database versions not stated): gnomAD exomes 0.00011; ExAC 0.00012; ESP Exome Variant Server 0.00023; gnomAD 0.00029 and 0.00031; TOPMed 0.00030; 1000 Genomes Project 30x 0.00078; 1000 Genomes Project 0.00080.
gnomAD v4.1: 93 of 1,613,322 alleles (0.0058%); highest among the groups gnomAD compares: African/African-American, 0.11%; no homozygotes.

Submissions (3):

Labcorp Genetics (formerly Invitae), Labcorp
Classification: Likely benign for Familial episodic pain syndrome with predominantly lower limb involvement; Hereditary sensory and autonomic neuropathy type 7. Last evaluated: 2026-01-27. Review status: criteria provided, single submitter. Criteria: Invitae Variant Classification Sherloc (09022015). Collection method: clinical testing. Allele origin: germline.

PreventionGenetics, part of Exact Sciences
Classification: Likely benign for SCN11A-related condition. Last evaluated: 2025-07-15. Review status: criteria provided, single submitter. Criteria: ACMG Guidelines, 2015. Collection method: clinical testing. Allele origin: germline.
Comment: This variant is classified as likely benign based on ACMG/AMP sequence variant interpretation guidelines (Richards et al. 2015 PMID: 25741868, with internal and published modifications).

Ambry Genetics
Classification: Likely benign for Inborn genetic diseases. Last evaluated: 2020-07-31. Review status: criteria provided, single submitter. Criteria: Ambry Variant Classification Scheme 2023. Collection method: clinical testing. Allele origin: germline.